The following is an entry in ClinVar:

NM_018062.4(FANCL):c.541-2A>C

Gene: FANCL (FA complementation group L; minus strand). Cytogenetic location: 2p16.1.
Variant type: single nucleotide variant.
Coding change: c.541-2A>C on transcript NM_018062.4 (MANE Select); the canonical splice acceptor site of the intron before coding-DNA position 541, A replaced by C.
Molecular consequence: splice acceptor variant.
Genome position (GRCh38, 1-based): chr2:58,165,876, T>G on the plus strand (A>C on the coding strand, the complement: FANCL is on the minus strand). VCF-style: chr2-58165876-T-G. GRCh37 (hg19) VCF-style: chr2-58393011-T-G.
Other names: c.586-2A>C (NM_001374615.1); c.556-2A>C (NM_001114636.2); c.601-2A>C (NM_001410792.1).
Identifiers: ClinVar variation 2027161 (VCV002027161.4), dbSNP rs2466659020, ClinGen allele CA346938203.
Genomic context (GRCh38, chr2:58,165,876, plus strand): 5'-AATGCCTTTAGTGATTCTATTGCTGCCAAAAACTGACTATAAATGCTTATTAAGGAGCTC[T>G]GTGAAAAAAATGAAAGTTGAATAAGTTATATGGTACTCTACCAATAGCAGATAATCTTTT-3'

ClinVar aggregate classification (germline): Likely pathogenic (1 of 4 stars; one submission).

Conditions:
Fanconi anemia (FA). Also called: Fanconi's anemia. Identifiers: Orphanet 84, MedGen C0015625, MeSH D005199, MONDO:0019391.

Submission:

Labcorp Genetics (formerly Invitae), Labcorp
Classification: Likely pathogenic for Fanconi anemia. Last evaluated: 2022-08-27. Review status: criteria provided, single submitter. Criteria: Invitae Variant Classification Sherloc (09022015). Collection method: clinical testing. Allele origin: germline.
Comment: This sequence change affects an acceptor splice site in intron 7 of the FANCL gene. It is expected to disrupt RNA splicing. Variants that disrupt the donor or acceptor splice site typically lead to a loss of protein function (PMID: 16199547), and loss-of-function variants in FANCL are known to be pathogenic (PMID: 19405097, 23613520). In summary, the currently available evidence indicates that the variant is pathogenic, but additional data are needed to prove that conclusively. Therefore, this variant has been classified as Likely Pathogenic. Algorithms developed to predict the effect of sequence changes on RNA splicing suggest that this variant may disrupt the consensus splice site. This variant has not been reported in the literature in individuals affected with FANCL-related conditions. This variant is not present in population databases (gnomAD no frequency).

Literature cited by the submitters: PubMed 16199547; PubMed 19405097; PubMed 23613520.